The following is an entry in ClinVar:

NM_003128.3(SPTBN1):c.4998-2A>G

Gene: SPTBN1 (spectrin beta, non-erythrocytic 1; plus strand). Cytogenetic location: 2p16.2.
Variant type: single nucleotide variant.
Coding change: c.4998-2A>G on transcript NM_003128.3 (MANE Select); the canonical splice acceptor site of the intron before coding-DNA position 4998, A replaced by G.
Molecular consequence: splice acceptor variant.
Genome position (GRCh38, 1-based): chr2:54,648,984, A>G. VCF-style: chr2-54648984-A-G. GRCh37 (hg19) VCF-style: chr2-54876121-A-G.
Other names: c.4959-2A>G (NM_178313.3).
Identifiers: ClinVar variation 4990947 (VCV004990947.1).

ClinVar aggregate classification (germline): Likely pathogenic (1 of 4 stars; one submission).

Conditions:
SPTBN1-related disorder. Also called: SPTBN1-related condition.

gnomAD v4.1: 1 of 1,590,488 alleles (0.000063%); highest among the groups gnomAD compares: Non-Finnish European, 0.000086%; no homozygotes.

Submission:

PreventionGenetics, part of Exact Sciences
Classification: Likely pathogenic for SPTBN1-related condition. Last evaluated: 2025-09-06. Review status: criteria provided, single submitter. Criteria: ACMG Guidelines, 2015. Collection method: clinical testing. Allele origin: germline.
Comment: The SPTBN1 c.4998-2A>G variant is predicted to disrupt the AG splice acceptor site and interfere with normal splicing. To our knowledge, this variant has not been reported in the literature or in a large population database (gnomAD), indicating this variant is rare. Variants that disrupt the consensus splice acceptor site in SPTBN1 are expected to be pathogenic. This variant is interpreted as likely pathogenic.